The following is an entry in ClinVar:

NM_013447.4(ADGRE2):c.2104C>A (p.Leu702Ile)

Gene: ADGRE2 (adhesion G protein-coupled receptor E2; minus strand). Cytogenetic location: 19p13.12.
Variant type: single nucleotide variant.
Coding change: c.2104C>A on transcript NM_013447.4 (MANE Select); coding-DNA position 2104, C replaced by A.
Protein change: p.Leu702Ile; replaces leucine 702 with isoleucine.
Molecular consequence: missense variant.
Genome position (GRCh38, 1-based): chr19:14,746,311, G>T on the plus strand (C>A on the coding strand, the complement: ADGRE2 is on the minus strand). VCF-style: chr19-14746311-G-T. GRCh37 (hg19) VCF-style: chr19-14857123-G-T.
Other names: c.1930C>A, p.Leu644Ile (NM_001271052.1); c.1957C>A, p.Leu653Ile (NM_152916.2); c.1825C>A, p.Leu609Ile (NM_152917.2); c.2104C>A (NM_013447.2); short protein forms L609I, L644I, L653I, L702I.
Identifiers: ClinVar variation 2054103 (VCV002054103.5), dbSNP rs200330090, ClinGen allele CA9257463.

ClinVar aggregate classification (germline): Uncertain significance. Review status: criteria provided, multiple submitters, no conflicts (2 of 4 stars). 2 submissions from 2 submitters: Uncertain significance (2). Last evaluated 2025-08-23.

Allele frequency attached by ClinVar (database versions not stated): ExAC 0.00002; gnomAD 0.00003; TOPMed 0.00004; ESP Exome Variant Server 0.00008; gnomAD exomes 0.00021.
gnomAD v4.1: 297 of 1,597,472 alleles (0.019%); highest among the groups gnomAD compares: Non-Finnish European, 0.025%; no homozygotes.

Submissions (2):

Ambry Genetics
Classification: Uncertain significance. Last evaluated: 2025-08-23. Review status: criteria provided, single submitter. Criteria: Ambry Variant Classification Scheme 2023. Collection method: clinical testing. Allele origin: germline.

Labcorp Genetics (formerly Invitae), Labcorp
Classification: Uncertain significance. Last evaluated: 2024-08-29. Review status: criteria provided, single submitter. Criteria: Invitae Variant Classification Sherloc (09022015). Collection method: clinical testing. Allele origin: germline.
Comment: This sequence change replaces leucine, which is neutral and non-polar, with isoleucine, which is neutral and non-polar, at codon 702 of the ADGRE2 protein (p.Leu702Ile). This variant is present in population databases (rs200330090, gnomAD 0.008%). This variant has not been reported in the literature in individuals affected with ADGRE2-related conditions. ClinVar contains an entry for this variant (Variation ID: 2054103). An algorithm developed to predict the effect of missense changes on protein structure and function outputs the following: PolyPhen-2: "Benign". The isoleucine amino acid residue is found in multiple mammalian species, which suggests that this missense change does not adversely affect protein function. In summary, the available evidence is currently insufficient to determine the role of this variant in disease. Therefore, it has been classified as a Variant of Uncertain Significance.